The following is an entry in ClinVar:

ClinVar aggregate classification (germline): Likely pathogenic (1 of 4 stars; one submission).

Conditions:
Deficiency of malonyl-CoA decarboxylase. Also called: Malonic aciduria; MCD deficiency. Identifiers: Orphanet 943, MedGen C0342793, MONDO:0009556, OMIM 248360.

Submission:

Juno Genomics, Hangzhou Juno Genomics, Inc
Classification: Likely pathogenic for Deficiency of malonyl-CoA decarboxylase. Review status: criteria provided, single submitter. Criteria: ACMG Guidelines, 2015. Collection method: clinical testing. Allele origin: germline.
Comment: Absent from controls (or at extremely low frequency if recessive) in Genome Aggregation Database.;Multiple lines of computational evidence support a deleterious effect on the gene or gene product.;For recessive disorders, detected in trans with a pathogenic variant.;Patient's phenotype or family history is highly specific for a disease with a single genetic etiology.

NM_012213.3(MLYCD):c.911G>A (p.Gly304Glu)

Genes: MLYCD (malonyl-CoA decarboxylase; plus strand), LOC126862422 (CDK7 strongly-dependent group 2 enhancer GRCh37_chr16:83945234-83946433; plus strand). Cytogenetic location: 16q23.3.
Variant type: single nucleotide variant.
Coding change: c.911G>A on transcript NM_012213.3 (MANE Select); coding-DNA position 911, G replaced by A.
Protein change: p.Gly304Glu; replaces glycine 304 with glutamic acid.
Molecular consequence: missense variant.
Genome position (GRCh38, 1-based): chr16:83,912,330, G>A. VCF-style: chr16-83912330-G-A. GRCh37 (hg19) VCF-style: chr16-83945935-G-A.
Other names: short protein forms G304E.
Identifiers: ClinVar variation 5005647 (VCV005005647.2).